The following is an entry in ClinVar:

ClinVar aggregate classification (germline): Uncertain significance. Review status: criteria provided, multiple submitters, no conflicts (2 of 4 stars). 2 submissions from 2 submitters: Uncertain significance (2). Last evaluated 2025-07-28.

Conditions:
Hereditary cancer-predisposing syndrome. Also called: Neoplastic Syndromes, Hereditary; Tumor predisposition; Hereditary Cancer Syndrome; Hereditary neoplastic syndrome. Identifiers: Orphanet 140162, MedGen C0027672, MeSH D009386, MONDO:0015356.
Familial melanoma. Also called: Hereditary melanoma; Hereditary cutaneous melanoma. Identifiers: Orphanet 618, MedGen C1512419, MONDO:0018961.

Submissions (2):

Ambry Genetics
Classification: Uncertain significance for Hereditary cancer-predisposing syndrome. Last evaluated: 2025-07-28. Review status: criteria provided, single submitter. Criteria: Ambry Variant Classification Scheme 2023. Collection method: clinical testing. Allele origin: germline.
Comment: The p.G45S variant (also known as c.133G>A), located in coding exon 1 of the CDK4 gene, results from a G to A substitution at nucleotide position 133. The glycine at codon 45 is replaced by serine, an amino acid with similar properties. This amino acid position is poorly conserved in available vertebrate species. In addition, this alteration is predicted to be tolerated by in silico analysis. Based on the available evidence, the clinical significance of this variant remains unclear.

Labcorp Genetics (formerly Invitae), Labcorp
Classification: Uncertain significance for Familial melanoma. Last evaluated: 2022-03-08. Review status: criteria provided, single submitter. Criteria: Invitae Variant Classification Sherloc (09022015). Collection method: clinical testing. Allele origin: germline.
Comment: Algorithms developed to predict the effect of missense changes on protein structure and function output the following: SIFT: "Tolerated"; PolyPhen-2: "Benign"; Align-GVGD: "Class C0". The serine amino acid residue is found in multiple mammalian species, which suggests that this missense change does not adversely affect protein function. In summary, the available evidence is currently insufficient to determine the role of this variant in disease. Therefore, it has been classified as a Variant of Uncertain Significance. ClinVar contains an entry for this variant (Variation ID: 233299). This sequence change replaces glycine, which is neutral and non-polar, with serine, which is neutral and polar, at codon 45 of the CDK4 protein (p.Gly45Ser). This variant is not present in population databases (gnomAD no frequency). This variant has not been reported in the literature in individuals affected with CDK4-related conditions.

NM_000075.4(CDK4):c.133G>A (p.Gly45Ser)

Genes: CDK4 (cyclin dependent kinase 4; minus strand), LOC130008148 (ATAC-STARR-seq lymphoblastoid silent region 4588; plus strand). Cytogenetic location: 12q14.1.
Variant type: single nucleotide variant.
Coding change: c.133G>A on transcript NM_000075.4 (MANE Select); coding-DNA position 133, G replaced by A.
Protein change: p.Gly45Ser; replaces glycine 45 with serine.
Molecular consequence: missense variant.
Genome position (GRCh38, 1-based): chr12:57,751,585, C>T on the plus strand (G>A on the coding strand, the complement: CDK4 is on the minus strand). VCF-style: chr12-57751585-C-T. GRCh37 (hg19) VCF-style: chr12-58145368-C-T.
Other names: short protein forms G45S.
Identifiers: ClinVar variation 233299 (VCV000233299.12), dbSNP rs876660318, ClinGen allele CA10579441.
Genomic context (GRCh38, chr12:57,751,585, plus strand): 5'-CCTCCAGTCGCCTCAGTAAAGCCACCTCACGAACTGTGCTGATGGGAAGGCCTCCTCCAC[C>T]TCCTCCTCCATTGGGGACTCTCACACTCTTGAGGGCCACAAAGTGGCCACTGTGGGGATC-3'
Protein context (NP_000066.1, residues 35-55): KSVRVPNGGG[Gly45Ser]GGGLPISTVR